The following is an entry in ClinVar:

ClinVar aggregate classification (germline): Uncertain significance. Review status: criteria provided, multiple submitters, no conflicts (2 of 4 stars). 2 submissions from 2 submitters: Uncertain significance (2). Last evaluated 2025-08-27.

Conditions:
Inborn genetic diseases. Identifiers: MedGen C0950123, MeSH D030342.
Glycogen storage disease type III (GSD3). Also called: Cori disease; FORBES DISEASE. Identifiers: Orphanet 366, MedGen C0017922, MONDO:0009291, OMIM 232400.

Allele frequency attached by ClinVar (database versions not stated): gnomAD exomes below 0.00001; ExAC 0.00001; gnomAD 0.00001 and 0.00002; TOPMed 0.00001; 1000 Genomes Project 30x 0.00031.
gnomAD v4.1: 20 of 1,614,004 alleles (0.0012%); highest among the groups gnomAD compares: Non-Finnish European, 0.0017%; no homozygotes.

Submissions (2):

Ambry Genetics
Classification: Uncertain significance for Inborn genetic diseases. Last evaluated: 2025-08-27. Review status: criteria provided, single submitter. Criteria: Ambry Variant Classification Scheme 2023. Collection method: clinical testing. Allele origin: germline.

Labcorp Genetics (formerly Invitae), Labcorp
Classification: Uncertain significance for Glycogen storage disease type III. Last evaluated: 2021-09-24. Review status: criteria provided, single submitter. Criteria: Invitae Variant Classification Sherloc (09022015). Collection method: clinical testing. Allele origin: germline.
Comment: This sequence change replaces leucine with valine at codon 620 of the AGL protein (p.Leu620Val). The leucine residue is moderately conserved and there is a small physicochemical difference between leucine and valine. This variant is present in population databases (rs200933503, ExAC 0.001%). This variant has not been reported in the literature in individuals affected with AGL-related conditions. Algorithms developed to predict the effect of missense changes on protein structure and function are either unavailable or do not agree on the potential impact of this missense change (SIFT: "Deleterious"; PolyPhen-2: "Possibly Damaging"; Align-GVGD: "Class C0"). In summary, the available evidence is currently insufficient to determine the role of this variant in disease. Therefore, it has been classified as a Variant of Uncertain Significance.

NM_000642.3(AGL):c.1858C>G (p.Leu620Val)

Gene: AGL (amylo-alpha-1,6-glucosidase and 4-alpha-glucanotransferase; plus strand). Cytogenetic location: 1p21.2.
Variant type: single nucleotide variant.
Coding change: c.1858C>G on transcript NM_000642.3 (MANE Select); coding-DNA position 1858, C replaced by G.
Protein change: p.Leu620Val; replaces leucine 620 with valine.
Molecular consequence: missense variant.
Genome position (GRCh38, 1-based): chr1:99,880,754, C>G. VCF-style: chr1-99880754-C-G. GRCh37 (hg19) VCF-style: chr1-100346310-C-G.
Other names: c.1858C>G (NM_000642.2); c.1858C>G, p.Leu620Val (NM_000028.3, NM_000643.3, NM_000644.3 and 2 more transcripts); c.1810C>G, p.Leu604Val (NM_000646.3); c.1657C>G, p.Leu553Val (NM_001425327.1); c.1654C>G, p.Leu552Val (NM_001425328.1, NM_001425329.1); c.1480C>G, p.Leu494Val (NM_001425332.1); short protein forms L604V, L620V, L494V, L552V, L553V.
Identifiers: ClinVar variation 1500711 (VCV001500711.6), dbSNP rs200933503, ClinGen allele CA966606.